The following is an entry in ClinVar:

ClinVar aggregate classification (germline): Uncertain significance (1 of 4 stars; one submission).

Submission:

GeneDx
Classification: Uncertain significance. Last evaluated: 2025-07-21. Review status: criteria provided, single submitter. Criteria: GeneDx Variant Classification Process June 2021. Collection method: clinical testing. Allele origin: germline. Affected: yes.
Comment: Not observed at significant frequency in large population cohorts (gnomAD); In silico analysis supports that this missense variant has a deleterious effect on protein structure/function; Has not been previously published as pathogenic or benign to our knowledge

NM_020732.3:c.2136G>C

Gene: ARID1B (AT-rich interaction domain 1B; plus strand).
Variant type: single nucleotide variant.
Other names: c.2136G>C (NM_020732.3).
Identifiers: ClinVar variation 4686944 (VCV004686944.1).